The following is an entry in ClinVar:

ClinVar aggregate classification (germline): Likely benign. Review status: criteria provided, single submitter (1 of 4 stars). 2 submissions from 2 submitters: Likely benign (1). 1 of the submissions does not count toward it. Last evaluated 2025-11-04.

Conditions:
Familial cold autoinflammatory syndrome 3 (FCAS3). Also called: ANTIBODY DEFICIENCY AND IMMUNE DYSREGULATION, PLCG2-ASSOCIATED; FAMILIAL ATYPICAL COLD URTICARIA. Identifiers: Orphanet 300359, MedGen C3280914, MONDO:0013766, OMIM 614468.

Allele frequency attached by ClinVar (database versions not stated): ExAC 0.00001; gnomAD exomes 0.00001 and 0.00008; gnomAD 0.00003; TOPMed 0.00003.
gnomAD v4.1: 120 of 1,613,796 alleles (0.0074%); highest among the groups gnomAD compares: Non-Finnish European, 0.0097%; 1 homozygote.

Submissions (2):

Labcorp Genetics (formerly Invitae), Labcorp
Classification: Likely benign for Familial cold autoinflammatory syndrome 3. Last evaluated: 2025-11-04. Review status: criteria provided, single submitter. Criteria: Invitae Variant Classification Sherloc (09022015). Collection method: clinical testing. Allele origin: germline.

Department of Pathology and Laboratory Medicine, Sinai Health System
Classification: Uncertain significance. Review status: no assertion criteria provided. Collection method: clinical testing. Allele origin: unknown. Affected: yes. Study: The Canadian Open Genetics Repository (COGR). Not counted in ClinVar's aggregate classification.
Comment: The PLCG2 c.693-6G>C variant was not identified in the literature nor was it identified in ClinVar or LOVD 3.0. The variant was identified in dbSNP (ID: rs755176167) and in control databases in 4 of 280922 chromosomes at a frequency of 0.00001424 (Genome Aggregation Database March 6, 2019, v2.1.1). The variant was observed in the following populations: East Asian in 1 of 19538 chromosomes (freq: 0.000051) and European (non-Finnish) in 3 of 128694 chromosomes (freq: 0.000023), but was not observed in the African, Latino, Ashkenazi Jewish, European (Finnish), Other, or South Asian populations. The variant occurs outside of the splicing consensus sequence and found of four in silico or computational prediction software programs (SpliceSiteFinder, MaxEntScan, NNSPLICE, GeneSplicer) predict a greater than 10% difference in splicing, specifically altered splicing at the 3â€šÃ„Ã´ splice site. However, this has not been confirmed by RNA analysis and is not predictive enough to assume pathogenicity. In summary, based on the above information the clinical significance of this variant cannot be determined with certainty at this time. This variant is classified as a variant of uncertain significance.

NM_002661.5(PLCG2):c.693-6G>C

Gene: PLCG2 (phospholipase C gamma 2; plus strand). Cytogenetic location: 16q23.3.
Variant type: single nucleotide variant.
Coding change: c.693-6G>C on transcript NM_002661.5 (MANE Select); 6 bases into the intron before coding-DNA position 693, G replaced by C.
Molecular consequence: intron variant.
Genome position (GRCh38, 1-based): chr16:81,883,263, G>C. VCF-style: chr16-81883263-G-C. GRCh37 (hg19) VCF-style: chr16-81916868-G-C.
Identifiers: ClinVar variation 1050355 (VCV001050355.8), dbSNP rs755176167, ClinGen allele CA8193393.